The following is an entry in ClinVar:

NM_000390.4(CHM):c.1202G>A (p.Arg401His)

Gene: CHM (CHM Rab escort protein; minus strand). Cytogenetic location: Xq21.2.
Variant type: single nucleotide variant.
Coding change: c.1202G>A on transcript NM_000390.4 (MANE Select); coding-DNA position 1202, G replaced by A.
Protein change: p.Arg401His; replaces arginine 401 with histidine.
Molecular consequence: missense variant.
Genome position (GRCh38, 1-based): chrX:85,911,303, C>T on the plus strand (G>A on the coding strand, the complement: CHM is on the minus strand). VCF-style: chrX-85911303-C-T. GRCh37 (hg19) VCF-style: chrX-85166308-C-T.
Other names: c.758G>A, p.Arg253His (NM_001320959.1, NM_001362517.1, NM_001362518.2 and 1 more transcripts); short protein forms R253H, R401H.
Identifiers: ClinVar variation 2198517 (VCV002198517.3), dbSNP rs1927014512, ClinGen allele CA413790319.

ClinVar aggregate classification (germline): Uncertain significance (1 of 4 stars; one submission).

Allele frequency attached by ClinVar (database versions not stated): gnomAD exomes 0.00001.

Submission:

Labcorp Genetics (formerly Invitae), Labcorp
Classification: Uncertain significance. Last evaluated: 2025-08-13. Review status: criteria provided, single submitter. Criteria: Invitae Variant Classification Sherloc (09022015). Collection method: clinical testing. Allele origin: germline.
Comment: This sequence change replaces arginine, which is basic and polar, with histidine, which is basic and polar, at codon 401 of the CHM protein (p.Arg401His). This variant is not present in population databases (gnomAD no frequency). This variant has not been reported in the literature in individuals affected with CHM-related conditions. ClinVar contains an entry for this variant (Variation ID: 2198517). Invitae Evidence Modeling of protein sequence and biophysical properties (such as structural, functional, and spatial information, amino acid conservation, physicochemical variation, residue mobility, and thermodynamic stability) indicates that this missense variant is not expected to disrupt CHM protein function with a negative predictive value of 80%. In summary, the available evidence is currently insufficient to determine the role of this variant in disease. Therefore, it has been classified as a Variant of Uncertain Significance.